The following is an entry in ClinVar:

NM_014249.4(NR2E3):c.*231A>G

Gene: NR2E3 (nuclear receptor subfamily 2 group E member 3; plus strand). Cytogenetic location: 15q23.
Variant type: single nucleotide variant.
Coding change: c.*231A>G on transcript NM_014249.4 (MANE Select); 231 bases downstream of the stop codon, A replaced by G.
Molecular consequence: 3 prime UTR variant.
Genome position (GRCh38, 1-based): chr15:71,817,915, A>G. VCF-style: chr15-71817915-A-G. GRCh37 (hg19) VCF-style: chr15-72110256-A-G.
Identifiers: ClinVar variation 317024 (VCV000317024.6), dbSNP rs185349250, ClinGen allele CA10636501.

ClinVar aggregate classification (germline): Likely benign. Review status: criteria provided, single submitter (1 of 4 stars). 2 submissions from 1 submitter: Likely benign (2). Last evaluated 2018-01-12.

Conditions:
Retinitis pigmentosa (RP). Identifiers: Orphanet 791, MedGen C0035334, MeSH D012174, MONDO:0019200, OMIM 268000. Inheritance: Autosomal dominant, autosomal recessive and X linked inheritance.
Enhanced S-cone syndrome (ESCS). Identifiers: Orphanet 53540, MedGen C1849394, MONDO:0100288, MONDO:0009989.

Allele frequency attached by ClinVar (database versions not stated): 1000 Genomes Project 30x 0.00062; 1000 Genomes Project 0.00080; gnomAD 0.00122 and 0.00125; gnomAD exomes 0.00127; TOPMed 0.00133.
gnomAD v4.1: 445 of 353,286 alleles (0.13%); highest among the groups gnomAD compares: Admixed American, 0.29%; 1 homozygote.

Submissions (2):

Illumina Laboratory Services, Illumina
Classification: Likely benign for ENHANCED S-CONE SYNDROME 1. Last evaluated: 2018-01-12. Review status: criteria provided, single submitter. Criteria: ICSL Variant Classification Criteria 13 December 2019. Collection method: clinical testing. Allele origin: germline.
Comment: This variant was observed in the ICSL laboratory as part of a predisposition screen in an ostensibly healthy population. It had not been previously curated by ICSL or reported in the Human Gene Mutation Database (HGMD: prior to June 1st, 2018), and was therefore a candidate for classification through an automated scoring system. Utilizing variant allele frequency, disease prevalence and penetrance estimates, and inheritance mode, an automated score was calculated to assess if this variant is too frequent to cause the disease. Based on the score and internal cut-off values, a variant classified as likely benign is not then subjected to further curation. The score for this variant resulted in a classification of likely benign for this disease.

Illumina Laboratory Services, Illumina
Classification: Likely benign for Retinitis pigmentosa. Last evaluated: 2018-01-12. Review status: criteria provided, single submitter. Criteria: ICSL Variant Classification Criteria 13 December 2019. Collection method: clinical testing. Allele origin: germline.
Comment: the same text as in the submission from Illumina Laboratory Services, Illumina above.